The following is an entry in ClinVar:

ClinVar aggregate classification (germline): Uncertain significance. Review status: criteria provided, multiple submitters, no conflicts (2 of 4 stars). 2 submissions from 2 submitters: Uncertain significance (2). Last evaluated 2023-10-08.

Conditions:
Dilated cardiomyopathy 1JJ (CMD1JJ). Identifiers: Orphanet 154, MedGen C3808935, MONDO:0014095, OMIM 615235.
Cardiovascular phenotype. Identifiers: MedGen CN230736.

Allele frequency attached by ClinVar (database versions not stated): gnomAD exomes below 0.00001; TOPMed below 0.00001; gnomAD 0.00001.
gnomAD v4.1: 5 of 1,613,658 alleles (0.00031%); highest among the groups gnomAD compares: Non-Finnish European, 0.00042%; no homozygotes.

Submissions (2):

Ambry Genetics
Classification: Uncertain significance for Cardiovascular phenotype. Last evaluated: 2023-10-08. Review status: criteria provided, single submitter. Criteria: Ambry Variant Classification Scheme 2023. Collection method: clinical testing. Allele origin: germline.
Comment: The p.R1495C variant (also known as c.4483C>T), located in coding exon 32 of the LAMA4 gene, results from a C to T substitution at nucleotide position 4483. The arginine at codon 1495 is replaced by cysteine, an amino acid with highly dissimilar properties. This amino acid position is conserved. In addition, the in silico prediction for this alteration is inconclusive. Since supporting evidence is limited at this time, the clinical significance of this alteration remains unclear.

Labcorp Genetics (formerly Invitae), Labcorp
Classification: Uncertain significance for Dilated cardiomyopathy 1JJ. Last evaluated: 2021-12-21. Review status: criteria provided, single submitter. Criteria: Invitae Variant Classification Sherloc (09022015). Collection method: clinical testing. Allele origin: germline.
Comment: Algorithms developed to predict the effect of missense changes on protein structure and function are either unavailable or do not agree on the potential impact of this missense change (SIFT: "Deleterious"; PolyPhen-2: "Probably Damaging"; Align-GVGD: "Class C0"). This variant has not been reported in the literature in individuals affected with LAMA4-related conditions. This variant is not present in population databases (gnomAD no frequency). This sequence change replaces arginine, which is basic and polar, with cysteine, which is neutral and slightly polar, at codon 1495 of the LAMA4 protein (p.Arg1495Cys). In summary, the available evidence is currently insufficient to determine the role of this variant in disease. Therefore, it has been classified as a Variant of Uncertain Significance.

NM_001105206.3(LAMA4):c.4504C>T (p.Arg1502Cys)

Gene: LAMA4 (laminin subunit alpha 4; minus strand). Cytogenetic location: 6q21.
Variant type: single nucleotide variant.
Coding change: c.4504C>T on transcript NM_001105206.3 (MANE Select); coding-DNA position 4504, C replaced by T.
Protein change: p.Arg1502Cys; replaces arginine 1502 with cysteine.
Molecular consequence: missense variant.
Genome position (GRCh38, 1-based): chr6:112,120,444, G>A on the plus strand (C>T on the coding strand, the complement: LAMA4 is on the minus strand). VCF-style: chr6-112120444-G-A. GRCh37 (hg19) VCF-style: chr6-112441647-G-A.
Other names: c.4483C>T, p.Arg1495Cys (NM_001105207.3, NM_002290.5); short protein forms R1502C, R1495C.
Identifiers: ClinVar variation 2037235 (VCV002037235.5), dbSNP rs1219059509, ClinGen allele CA365369989.